The following is an entry in ClinVar:

NM_004211.5(SLC6A5):c.621C>G (p.Tyr207Ter)

Gene: SLC6A5 (solute carrier family 6 member 5; plus strand). Cytogenetic location: 11p15.1.
Variant type: single nucleotide variant.
Coding change: c.621C>G on transcript NM_004211.5 (MANE Select); coding-DNA position 621, C replaced by G.
Protein change: p.Tyr207Ter; replaces tyrosine 207 with a stop codon.
Molecular consequence: nonsense. On other transcripts: intron variant (1).
Genome position (GRCh38, 1-based): chr11:20,604,366, C>G. VCF-style: chr11-20604366-C-G. GRCh37 (hg19) VCF-style: chr11-20625912-C-G.
Other names: c.-23-2641C>G (NM_001318369.2); short protein forms Y207*.
Identifiers: ClinVar variation 4703079 (VCV004703079.1).
Genomic context (GRCh38, chr11:20,604,366, plus strand): 5'-GAATAAGGCCCGAGGGAACTGGTCCAGCAAACTGGACTTCATCCTGTCCATGGTGGGGTA[C>G]GCAGTGGGGCTGGGCAATGTCTGGAGGTTTCCCTACCTGGCCTTCCAGAACGGGGGAGGT-3'

ClinVar aggregate classification (germline): Pathogenic (1 of 4 stars; one submission).

Conditions:
Hyperekplexia 3 (HKPX3). Also called: HYPEREKPLEXIA 3, AUTOSOMAL RECESSIVE; HYPEREKPLEXIA 3, AUTOSOMAL DOMINANT. Identifiers: Orphanet 3197, MedGen C3553288, MONDO:0013827, OMIM 614618.

gnomAD v4.1: 3 of 1,614,034 alleles (0.00019%); highest among the groups gnomAD compares: Non-Finnish European, 0.00025%; no homozygotes.

Submission:

Labcorp Genetics (formerly Invitae), Labcorp
Classification: Pathogenic for Hyperekplexia 3. Last evaluated: 2025-10-26. Review status: criteria provided, single submitter. Criteria: Invitae Variant Classification Sherloc (09022015). Collection method: clinical testing. Allele origin: germline.
Comment: This sequence change creates a premature translational stop signal (p.Tyr207*) in the SLC6A5 gene. It is expected to result in an absent or disrupted protein product. Loss-of-function variants in SLC6A5 are known to be pathogenic (PMID: 14622583, 16751771, 22700964). This variant is not present in population databases (gnomAD no frequency). This variant has not been reported in the literature in individuals affected with SLC6A5-related conditions. Algorithms developed to predict the effect of sequence changes on RNA splicing suggest that this variant may disrupt the consensus splice site. For these reasons, this variant has been classified as Pathogenic.

Literature cited by the submitters: PubMed 14622583; PubMed 16751771; PubMed 22700964.